The following is an entry in ClinVar:

ClinVar aggregate classification (germline): Uncertain significance. Review status: criteria provided, multiple submitters, no conflicts (2 of 4 stars). 2 submissions from 2 submitters: Uncertain significance (2). Last evaluated 2025-09-02.

Allele frequency attached by ClinVar (database versions not stated): gnomAD 0.00003.
gnomAD v4.1: 61 of 1,614,016 alleles (0.0038%); highest among the groups gnomAD compares: Non-Finnish European, 0.0049%; no homozygotes.

Submissions (2):

Labcorp Genetics (formerly Invitae), Labcorp
Classification: Uncertain significance. Last evaluated: 2025-09-02. Review status: criteria provided, single submitter. Criteria: Invitae Variant Classification Sherloc (09022015). Collection method: clinical testing. Allele origin: germline.
Comment: This sequence change replaces arginine, which is basic and polar, with serine, which is neutral and polar, at codon 527 of the ATRIP protein (p.Arg527Ser). This variant is present in population databases (rs764282919, gnomAD 0.003%). This variant has not been reported in the literature in individuals affected with ATRIP-related conditions. ClinVar contains an entry for this variant (Variation ID: 3022811). An algorithm developed to predict the effect of missense changes on protein structure and function (PolyPhen-2) suggests that this variant is likely to be tolerated. In summary, the available evidence is currently insufficient to determine the role of this variant in disease. Therefore, it has been classified as a Variant of Uncertain Significance.

Ambry Genetics
Classification: Uncertain significance. Last evaluated: 2024-11-18. Review status: criteria provided, single submitter. Criteria: Ambry Variant Classification Scheme 2023. Collection method: clinical testing. Allele origin: germline.
Comment: The p.R527S variant (also known as c.1581G>T), located in coding exon 8 of the ATRIP gene, results from a G to T substitution at nucleotide position 1581. The arginine at codon 527 is replaced by serine, an amino acid with dissimilar properties. This amino acid position is conserved. In addition, this alteration is predicted to be tolerated by in silico analysis. Based on the available evidence, the clinical significance of this variant remains unclear.

NM_130384.3(ATRIP):c.1581G>T (p.Arg527Ser)

Genes: ATRIP (ATR interacting protein; plus strand), ATRIP-TREX1 (ATRIP-TREX1 readthrough; plus strand). Cytogenetic location: 3p21.31.
Variant type: single nucleotide variant.
Coding change: c.1581G>T on transcript NM_130384.3 (MANE Select); coding-DNA position 1581, G replaced by T.
Protein change: p.Arg527Ser; replaces arginine 527 with serine.
Molecular consequence: missense variant. On other transcripts: non-coding transcript variant (1).
Genome position (GRCh38, 1-based): chr3:48,460,635, G>T. VCF-style: chr3-48460635-G-T. GRCh37 (hg19) VCF-style: chr3-48502034-G-T.
Other names: c.1200G>T, p.Arg400Ser (NM_001271022.2); c.1302G>T, p.Arg434Ser (NM_001271023.2); c.1581G>T, p.Arg527Ser (NM_032166.4); c.1581G>T (NM_130384.1); short protein forms R434S, R527S, R400S.
Identifiers: ClinVar variation 3022811 (VCV003022811.4), dbSNP rs764282919, ClinGen allele CA2376228.